The following is an entry in ClinVar:

NC_000005.9:g.(?_131893017)_(131915768_?)del

Gene: RAD50 (RAD50 double strand break repair protein; plus strand). Cytogenetic location: 5q31.1.
Variant type: Deletion.
Identifiers: ClinVar variation 1459576 (VCV001459576.4).

ClinVar aggregate classification (germline): Pathogenic (1 of 4 stars; one submission).

Conditions:
Hereditary cancer-predisposing syndrome. Also called: Neoplastic Syndromes, Hereditary; Hereditary Cancer Syndrome; Hereditary neoplastic syndrome; Tumor predisposition. Identifiers: Orphanet 140162, MedGen C0027672, MeSH D009386, MONDO:0015356.

Submission:

Labcorp Genetics (formerly Invitae), Labcorp
Classification: Pathogenic for Hereditary cancer-predisposing syndrome. Last evaluated: 2022-11-08. Review status: criteria provided, single submitter. Criteria: Invitae Variant Classification Sherloc (09022015). Collection method: clinical testing. Allele origin: germline.
Comment: For these reasons, this variant has been classified as Pathogenic. This variant has not been reported in the literature in individuals affected with RAD50-related conditions. This variant is a gross deletion of the genomic region encompassing exon(s) 1-5 of the RAD50 gene, which includes the initiator codon. This deletion extends beyond the assayed region for this gene and therefore may encompass additional genes. It is expected to result in an absent or disrupted protein product. Loss-of-function variants in RAD50 are known to be pathogenic (PMID: 19409520).

Literature cited by the submitters: PubMed 19409520.